The following is an entry in ClinVar:

NM_002470.4(MYH3):c.2831T>C (p.Leu944Pro)

Gene: MYH3 (myosin heavy chain 3; minus strand). Cytogenetic location: 17p13.1.
Variant type: single nucleotide variant.
Coding change: c.2831T>C on transcript NM_002470.4 (MANE Select); coding-DNA position 2831, T replaced by C.
Protein change: p.Leu944Pro; replaces leucine 944 with proline.
Molecular consequence: missense variant.
Genome position (GRCh38, 1-based): chr17:10,639,654, A>G on the plus strand (T>C on the coding strand, the complement: MYH3 is on the minus strand). VCF-style: chr17-10639654-A-G. GRCh37 (hg19) VCF-style: chr17-10542971-A-G.
Other names: short protein forms L944P.
Identifiers: ClinVar variation 2576833 (VCV002576833.1), dbSNP rs2508598891, ClinGen allele CA398157250.
Genomic context (GRCh38, chr17:10,639,654, plus strand): 5'-TTGGCCAGGGTCAACTCAAGGTCATCAATGTCTTTCTTGAGCTCTGAGCATTCATCCTCC[A>G]GTTTCCTCTTCTTGGCCGTCAGCTCAGCATTGATCTCCTCCTCATCTTCAGCTCTCTCTG-3'
Protein context (NP_002461.2, residues 934-954): NAELTAKKRK[Leu944Pro]EDECSELKKD

ClinVar aggregate classification (germline): Uncertain significance (1 of 4 stars; one submission).

Submission:

GeneDx
Classification: Uncertain significance. Last evaluated: 2023-02-15. Review status: criteria provided, single submitter. Criteria: GeneDx Variant Classification Process June 2021. Collection method: clinical testing. Allele origin: germline. Affected: yes.
Comment: Not observed at significant frequency in large population cohorts (gnomAD); In silico analysis supports that this missense variant has a deleterious effect on protein structure/function; Has not been previously published as pathogenic or benign to our knowledge